The following is an entry in ClinVar:

ClinVar aggregate classification (germline): Uncertain significance. Review status: criteria provided, multiple submitters, no conflicts (2 of 4 stars). 3 submissions from 3 submitters: Uncertain significance (3). Last evaluated 2023-12-06.

Conditions:
Hereditary cancer-predisposing syndrome. Also called: Neoplastic Syndromes, Hereditary; Hereditary Cancer Syndrome; Tumor predisposition; Hereditary neoplastic syndrome. Identifiers: Orphanet 140162, MedGen C0027672, MeSH D009386, MONDO:0015356.
Hereditary diffuse gastric adenocarcinoma (HDGC). Also called: DIFFUSE GASTRIC AND LOBULAR BREAST CANCER SYNDROME. Identifiers: Orphanet 26106, MedGen C1708349, MONDO:0007648, OMIM 137215.

Submissions (3):

Ambry Genetics
Classification: Uncertain significance for Hereditary cancer-predisposing syndrome. Last evaluated: 2023-12-06. Review status: criteria provided, single submitter. Criteria: Ambry Variant Classification Scheme 2023. Collection method: clinical testing. Allele origin: germline.
Comment: The p.F317L variant (also known as c.949T>C), located in coding exon 7 of the CDH1 gene, results from a T to C substitution at nucleotide position 949. The phenylalanine at codon 317 is replaced by leucine, an amino acid with highly similar properties. This alteration was detected in a cohort of 1663 Brazilian breast cancer patients who underwent hereditary multigene panel testing (Guindalini RSC et al. Sci Rep, 2022 Mar;12:4190). This amino acid position is highly conserved in available vertebrate species. In addition, this alteration is predicted to be deleterious by in silico analysis. Since supporting evidence is limited at this time, the clinical significance of this alteration remains unclear.

Labcorp Genetics (formerly Invitae), Labcorp
Classification: Uncertain significance for Hereditary diffuse gastric adenocarcinoma. Last evaluated: 2021-07-16. Review status: criteria provided, single submitter. Criteria: Invitae Variant Classification Sherloc (09022015). Collection method: clinical testing. Allele origin: germline.
Comment: This variant is not present in population databases (ExAC no frequency). This sequence change replaces phenylalanine with leucine at codon 317 of the CDH1 protein (p.Phe317Leu). The phenylalanine residue is highly conserved and there is a small physicochemical difference between phenylalanine and leucine. This variant has not been reported in the literature in individuals with CDH1-related conditions. ClinVar contains an entry for this variant (Variation ID: 584915). In summary, the available evidence is currently insufficient to determine the role of this variant in disease. Therefore, it has been classified as a Variant of Uncertain Significance. Algorithms developed to predict the effect of missense changes on protein structure and function are either unavailable or do not agree on the potential impact of this missense change (SIFT: "Deleterious"; PolyPhen-2: "Probably Damaging"; Align-GVGD: "Class C15").

Mendelics
Classification: Uncertain significance for Hereditary diffuse gastric cancer. Last evaluated: 2018-07-02. Review status: criteria provided, single submitter. Criteria: Mendelics Assertion Criteria 2017. Collection method: clinical testing. Allele origin: unknown.

Literature cited by the submitters: PubMed 35264596 (cited by Ambry Genetics).

NM_004360.5(CDH1):c.949T>C (p.Phe317Leu)

Gene: CDH1 (cadherin 1; plus strand). Cytogenetic location: 16q22.1.
Variant type: single nucleotide variant.
Coding change: c.949T>C on transcript NM_004360.5 (MANE Select); coding-DNA position 949, T replaced by C.
Protein change: p.Phe317Leu; replaces phenylalanine 317 with leucine.
Molecular consequence: missense variant. On other transcripts: 5 prime UTR variant (2).
Genome position (GRCh38, 1-based): chr16:68,811,800, T>C. VCF-style: chr16-68811800-T-C. GRCh37 (hg19) VCF-style: chr16-68845703-T-C.
Other names: c.949T>C, p.Phe317Leu (NM_001317184.2); c.-667T>C (NM_001317185.2); c.-871T>C (NM_001317186.2); short protein forms F317L.
Identifiers: ClinVar variation 584915 (VCV000584915.15), dbSNP rs1555515643, ClinGen allele CA396459786.
Genomic context (GRCh38, chr16:68,811,800, plus strand): 5'-AATGCCGCCATCGCTTACACCATCCTCAGCCAAGATCCTGAGCTCCCTGACAAAAATATG[T>C]TCACCATTAACAGGAACACAGGAGTCATCAGTGTGGTCACCACTGGGCTGGACCGAGAGG-3'
Protein context (NP_004351.1, residues 307-327): QDPELPDKNM[Phe317Leu]TINRNTGVIS